The following is an entry in ClinVar:

ClinVar aggregate classification (germline): Uncertain significance (1 of 4 stars; one submission).

Conditions:
Cohen syndrome (COH1). Also called: Cutis verticis gyrata, retinitis pigmentosa, and sensorineural deafness; PEPPER SYNDROME. Identifiers: Orphanet 193, MedGen C0265223, MONDO:0008999, OMIM 216550.

Submission:

Labcorp Genetics (formerly Invitae), Labcorp
Classification: Uncertain significance for Cohen syndrome. Last evaluated: 2023-12-27. Review status: criteria provided, single submitter. Criteria: Invitae Variant Classification Sherloc (09022015). Collection method: clinical testing. Allele origin: germline.
Comment: This variant, c.4457_4459del, results in the deletion of 1 amino acid(s) of the VPS13B protein (p.Pro1486del), but otherwise preserves the integrity of the reading frame. This variant is not present in population databases (gnomAD no frequency). This variant has not been reported in the literature in individuals affected with VPS13B-related conditions. Experimental studies and prediction algorithms are not available or were not evaluated, and the functional significance of this variant is currently unknown. In summary, the available evidence is currently insufficient to determine the role of this variant in disease. Therefore, it has been classified as a Variant of Uncertain Significance.

NM_152564.5(VPS13B):c.4379CTC[1] (p.Pro1461del)

Gene: VPS13B (vacuolar protein sorting 13 homolog B; plus strand). Cytogenetic location: 8q22.2.
Variant type: Microsatellite.
Coding change: c.4379CTC[1] on transcript NM_152564.5 (MANE Select); one copy of the 3-base unit CTC starting at c.4379; the reference has two copies in a row; one copy, 3 bases deleted.
Protein change: p.Pro1461del; deletes proline 1461.
Molecular consequence: inframe deletion.
Genome position (GRCh38, 1-based): chr8:99,511,261-99,511,263, CTC deleted; deleting any 3 consecutive bases within chr8:99,511,258-99,511,263 gives the same sequence; the position shown is the placement nearest the transcript's 3' end. VCF-style (leftmost placement, unchanged base first): chr8-99511257-TCTC-T. GRCh37 (hg19) VCF-style: chr8-100523485-TCTC-T.
Other names: c.4454CTC[1], p.Pro1486del (NM_017890.5); short protein forms P1486del, P1461del.
Identifiers: ClinVar variation 3008514 (VCV003008514.3), dbSNP rs2490521732, ClinGen allele CA2688064292.